The following is an entry in ClinVar:

NM_016239.4(MYO15A):c.4033A>T (p.Ile1345Leu)

Gene: MYO15A (myosin XVA; plus strand). Cytogenetic location: 17p11.2.
Variant type: single nucleotide variant.
Coding change: c.4033A>T on transcript NM_016239.4 (MANE Select); coding-DNA position 4033, A replaced by T.
Protein change: p.Ile1345Leu; replaces isoleucine 1345 with leucine.
Molecular consequence: missense variant.
Genome position (GRCh38, 1-based): chr17:18,130,805, A>T. VCF-style: chr17-18130805-A-T. GRCh37 (hg19) VCF-style: chr17-18034119-A-T.
Other names: short protein forms I1345L.
Identifiers: ClinVar variation 198880 (VCV000198880.66), dbSNP rs201234482, ClinGen allele CA247746.

ClinVar aggregate classification (germline): Conflicting classifications of pathogenicity. Review status: criteria provided, conflicting classifications (1 of 4 stars). 8 submissions from 8 submitters: Uncertain significance (2); Benign (2); Likely benign (3). 1 of the submissions does not count toward it. Last evaluated 2026-04-01.

Conditions:
MYO15A-related disorder. Also called: MYO15A-related condition.
Autosomal recessive nonsyndromic hearing loss 3. Also called: NEUROSENSORY NONSYNDROMIC RECESSIVE DEAFNESS 3. Identifiers: Orphanet 90636, MedGen C1838263, MONDO:0010860, OMIM 600316.

Allele frequency attached by ClinVar (database versions not stated): 1000 Genomes Project 30x 0.00031; 1000 Genomes Project 0.00040; ExAC 0.00151; gnomAD exomes 0.00153 and 0.00333; gnomAD 0.00185 and 0.00191; TOPMed 0.00189; ESP Exome Variant Server 0.00288.

Submissions (8):

CeGaT Center for Human Genetics Tuebingen
Classification: Likely benign. Last evaluated: 2026-04-01. Review status: criteria provided, single submitter. Criteria: CeGaT Center For Human Genetics Tuebingen Variant Classification Criteria Version 2. Collection method: clinical testing. Allele origin: germline. Affected: yes. Observed: 5 variant alleles.
Comment: MYO15A: PP3, BS2

Labcorp Genetics (formerly Invitae), Labcorp
Classification: Likely benign. Last evaluated: 2026-01-28. Review status: criteria provided, single submitter. Criteria: Invitae Variant Classification Sherloc (09022015). Collection method: clinical testing. Allele origin: germline.

Blueprint Genetics
Classification: Likely benign. Last evaluated: 2024-11-20. Review status: criteria provided, single submitter. Criteria: ACMG Guidelines, 2015. Collection method: clinical testing. Allele origin: germline.

GeneDx
Classification: Benign. Last evaluated: 2019-01-21. Review status: criteria provided, single submitter. Criteria: GeneDx Variant Classification Process June 2021. Collection method: clinical testing. Allele origin: germline. Affected: yes.

Illumina Laboratory Services, Illumina
Classification: Uncertain significance for Autosomal recessive nonsyndromic hearing loss 3. Last evaluated: 2018-01-13. Review status: criteria provided, single submitter. Criteria: ICSL Variant Classification Criteria 13 December 2019. Collection method: clinical testing. Allele origin: germline.

Eurofins Ntd Llc (ga)
Classification: Uncertain significance. Last evaluated: 2015-05-12. Review status: criteria provided, single submitter. Criteria: EGL Classification Definitions 2015. Collection method: clinical testing. Allele origin: germline. Observed: 1 variant allele, 1 heterozygote.

Laboratory for Molecular Medicine, Mass General Brigham Personalized Medicine
Classification: Benign. Last evaluated: 2012-04-30. Review status: criteria provided, single submitter. Criteria: LMM Criteria. Collection method: clinical testing. Allele origin: germline. Observed: 3 variant alleles.
Comment: Ile1345Leu in Exon 08 of MYO15A: This variant is not expected to have clinical s ignificance because it has been identified in 0.4% (27/6778) of European America n chromosomes from a broad population by the NHLBI Exome Sequencing Project.

PreventionGenetics, part of Exact Sciences
Classification: Likely benign for MYO15A-related condition. Last evaluated: 2022-02-21. Review status: no assertion criteria provided. Collection method: clinical testing. Allele origin: germline. Not counted in ClinVar's aggregate classification.
Comment: This variant is classified as likely benign based on ACMG/AMP sequence variant interpretation guidelines (Richards et al. 2015 PMID: 25741868, with internal and published modifications).